The following is an entry in ClinVar:

NM_021120.4(DLG3):c.2347+7C>A

Gene: DLG3 (discs large MAGUK scaffold protein 3; plus strand). Cytogenetic location: Xq13.1.
Variant type: single nucleotide variant.
Coding change: c.2347+7C>A on transcript NM_021120.4 (MANE Select); 7 bases into the intron after coding-DNA position 2347, C replaced by A.
Molecular consequence: intron variant.
Genome position (GRCh38, 1-based): chrX:70,500,996, C>A. VCF-style: chrX-70500996-C-A. GRCh37 (hg19) VCF-style: chrX-69720846-C-A.
Other names: c.1432+7C>A (NM_020730.3); c.994+7C>A (NM_001166278.2).
Identifiers: ClinVar variation 4823301 (VCV004823301.4).
Genomic context (GRCh38, chrX:70,500,996, plus strand): 5'-AGATCTATGACAAAGCCATGAAACTGGAGCAGGAATTTGGAGAGTACTTTACAGGTAAGA[C>A]TCCTGCTGCCCTGCGGGGGGTTCTGGGGAACTAGCCAGGTACCTGTTTCTATAAGTGTCT-3'

ClinVar aggregate classification (germline): Likely benign (1 of 4 stars; one submission).

gnomAD v4.1: 4 of 1,161,933 alleles (0.00034%); highest among the groups gnomAD compares: Admixed American, 0.0092%; no homozygotes.

Submission:

CeGaT Center for Human Genetics Tuebingen
Classification: Likely benign. Last evaluated: 2026-02-01. Review status: criteria provided, single submitter. Criteria: CeGaT Center For Human Genetics Tuebingen Variant Classification Criteria Version 2. Collection method: clinical testing. Allele origin: germline. Affected: yes. Observed: 1 variant allele.
Comment: DLG3: BP4